The following is an entry in ClinVar:

NM_145235.5(FANK1):c.168G>A (p.Met56Ile)

Gene: FANK1 (fibronectin type III and ankyrin repeat domains 1; plus strand). Cytogenetic location: 10q26.2.
Variant type: single nucleotide variant.
Coding change: c.168G>A on transcript NM_145235.5 (MANE Select); coding-DNA position 168, G replaced by A.
Protein change: p.Met56Ile; replaces methionine 56 with isoleucine.
Molecular consequence: missense variant.
Genome position (GRCh38, 1-based): chr10:125,980,315, G>A. VCF-style: chr10-125980315-G-A. GRCh37 (hg19) VCF-style: chr10-127668884-G-A.
Other names: c.168G>A, p.Met56Ile (NM_001350939.2); c.150G>A, p.Met50Ile (NM_001363549.2); short protein forms M56I, M50I.
Identifiers: ClinVar variation 2521592 (VCV002521592.3), dbSNP rs537760312, ClinGen allele CA5739666.
Genomic context (GRCh38, chr10:125,980,315, plus strand): 5'-ACGCCAAGGACCTCAAGAGCAGTGGTTCAGGTTCTCGATTGAAGAAGAAGACCCCAAAAT[G>A]CACACTTATGGTATCATTTATACGTAGGTGCAGTGTTGAATTGCTTGCCACTTTGCCTTA-3'
Protein context (NP_660278.3, residues 46-66): RFSIEEEDPK[Met56Ile]HTYGIIYTGY

ClinVar aggregate classification (germline): Uncertain significance (1 of 4 stars; one submission).

Allele frequency attached by ClinVar (database versions not stated): TOPMed 0.00002; gnomAD exomes 0.00005; 1000 Genomes Project 0.00020; ExAC 0.00007; gnomAD 0.00005; 1000 Genomes Project 30x 0.00016.
gnomAD v4.1: 78 of 1,614,024 alleles (0.0048%); highest among the groups gnomAD compares: South Asian, 0.082%; 1 homozygote.

Submission:

Ambry Genetics
Classification: Uncertain significance. Last evaluated: 2025-10-18. Review status: criteria provided, single submitter. Criteria: Ambry Variant Classification Scheme 2023. Collection method: clinical testing. Allele origin: germline.
Comment: The c.168G>A (p.M56I) alteration is located in exon 2 (coding exon 2) of the FANK1 gene. This alteration results from a G to A substitution at nucleotide position 168, causing the methionine (M) at amino acid position 56 to be replaced by an isoleucine (I). Based on data from gnomAD, the A allele has an overall frequency of 0.007% (21/282598) total alleles studied. The highest observed frequency was 0.059% (18/30570) of South Asian alleles. Based on insufficient or conflicting evidence, the clinical significance of this alteration remains unclear.